The following is an entry in ClinVar:

NM_173551.5(ANKS6):c.1617G>A (p.Met539Ile)

Gene: ANKS6 (ankyrin repeat and sterile alpha motif domain containing 6; minus strand). Cytogenetic location: 9q22.33.
Variant type: single nucleotide variant.
Coding change: c.1617G>A on transcript NM_173551.5 (MANE Select); coding-DNA position 1617, G replaced by A.
Protein change: p.Met539Ile; replaces methionine 539 with isoleucine.
Molecular consequence: missense variant.
Genome position (GRCh38, 1-based): chr9:98,777,405, C>T on the plus strand (G>A on the coding strand, the complement: ANKS6 is on the minus strand). VCF-style: chr9-98777405-C-T. GRCh37 (hg19) VCF-style: chr9-101539687-C-T.
Other names: short protein forms M539I.
Identifiers: ClinVar variation 2681751 (VCV002681751.2), dbSNP rs750550123.

ClinVar aggregate classification (germline): Uncertain significance (1 of 4 stars; one submission).

Conditions:
Nephronophthisis 16 (NPHP16). Identifiers: Orphanet 655, MedGen C3809320, MONDO:0014158, OMIM 615382.

Allele frequency attached by ClinVar (database versions not stated): ExAC 0.00001; gnomAD 0.00001.
gnomAD v4.1: 15 of 1,614,030 alleles (0.00093%); highest among the groups gnomAD compares: Non-Finnish European, 0.0011%; no homozygotes.

Submission:

Precision Medicine Center, Zhengzhou University
Classification: Uncertain significance for Nephronophthisis 16. Last evaluated: 2023-12-01. Review status: criteria provided, single submitter. Criteria: ACMG Guidelines, 2015. Collection method: clinical testing. Allele origin: maternal.
Comment: PM2_p,PM3,PP3